The following is an entry in ClinVar:

ClinVar aggregate classification (germline): Uncertain significance (1 of 4 stars; one submission).

Conditions:
Mitochondrial complex I deficiency, nuclear type 17. Also called: Mitochondrial complex 1 deficiency, nuclear type 17. Identifiers: MedGen C4748786, MONDO:0032622, OMIM 618239.

gnomAD v4.1: 1 of 1,611,866 alleles (0.000062%); highest among the groups gnomAD compares: South Asian, 0.0011%; no homozygotes.

Submission:

3billion
Classification: Uncertain significance for Mitochondrial complex I deficiency, nuclear type 17. Last evaluated: 2024-08-22. Review status: criteria provided, single submitter. Criteria: ACMG Guidelines, 2015. Collection method: clinical testing. Allele origin: germline. Affected: yes.
Comment: The variant is observed at an extremely low frequency in the gnomAD v4.0.0 dataset (total allele frequency: <0.001%). Predicted Consequence/Location: Missense variant In silico tool predictions suggest damaging effect of the variant on gene or gene product [REVEL: 0.89 (>=0.6, sensitivity 0.68 and specificity 0.92)]. Therefore, this variant is classified as VUS according to the recommendation of ACMG/AMP guideline.

NM_152416.4(NDUFAF6):c.917T>C (p.Phe306Ser)

Gene: NDUFAF6 (NADH:ubiquinone oxidoreductase complex assembly factor 6; plus strand). Cytogenetic location: 8q22.1.
Variant type: single nucleotide variant.
Coding change: c.917T>C on transcript NM_152416.4 (MANE Select); coding-DNA position 917, T replaced by C.
Protein change: p.Phe306Ser; replaces phenylalanine 306 with serine.
Molecular consequence: missense variant. On other transcripts: non-coding transcript variant (3), intron variant (1).
Genome position (GRCh38, 1-based): chr8:95,057,852, T>C. VCF-style: chr8-95057852-T-C. GRCh37 (hg19) VCF-style: chr8-96070080-T-C.
Other names: c.641T>C, p.Phe214Ser (NM_001330582.2, NM_001354514.2, NM_001354515.2); c.761T>C, p.Phe254Ser (NM_001354516.2); c.584T>C, p.Phe195Ser (NM_001354517.2, NM_001354518.2, NM_001354519.2 and 1 more transcripts); c.461T>C, p.Phe154Ser (NM_001354522.2, NM_001354524.2, NM_001354525.2 and 7 more transcripts); c.483+9294T>C (NM_001354534.2); short protein forms F154S, F195S, F214S, F254S, F306S.
Identifiers: ClinVar variation 4292015 (VCV004292015.1).